The following is an entry in ClinVar:

NM_020877.5(DNAH2):c.10311G>A (p.Pro3437=)

Gene: DNAH2 (dynein axonemal heavy chain 2; plus strand). Cytogenetic location: 17p13.1.
Variant type: single nucleotide variant.
Coding change: c.10311G>A on transcript NM_020877.5 (MANE Select); coding-DNA position 10311, G replaced by A.
Protein change: p.Pro3437=; no amino-acid change (proline 3437 retained).
Molecular consequence: synonymous variant.
Genome position (GRCh38, 1-based): chr17:7,818,020, G>A. VCF-style: chr17-7818020-G-A. GRCh37 (hg19) VCF-style: chr17-7721338-G-A.
Identifiers: ClinVar variation 4979802 (VCV004979802.1).
Genomic context (GRCh38, chr17:7,818,020, plus strand): 5'-CGACCTGCAGATGAGCGATTACCTGCGAATCCTAGAACACGCCATTCACTTTGGATACCC[G>A]GTGCTACTTCAGAACGTGCAGGAATATCTGGACCCCACACTGAACCCCATGCTCAACAAA-3'
Protein context (NP_065928.2, residues 3427-3447): ILEHAIHFGY[Pro3437=]VLLQNVQEYL

ClinVar aggregate classification (germline): Likely benign (1 of 4 stars; one submission).

Conditions:
DNAH2-related disorder. Also called: DNAH2-related condition.

gnomAD v4.1: 51 of 1,613,936 alleles (0.0032%); highest among the groups gnomAD compares: Admixed American, 0.022%; 1 homozygote.

Submission:

PreventionGenetics, part of Exact Sciences
Classification: Likely benign for DNAH2-related condition. Last evaluated: 2026-08-25. Review status: criteria provided, single submitter. Criteria: ACMG Guidelines, 2015. Collection method: clinical testing. Allele origin: germline.
Comment: This variant is classified as likely benign based on ACMG/AMP sequence variant interpretation guidelines (Richards et al. 2015 PMID: 25741868, with internal and published modifications).